The following is an entry in ClinVar:

ClinVar aggregate classification (germline): Pathogenic (1 of 4 stars; one submission).

Conditions:
Cardiovascular phenotype. Identifiers: MedGen CN230736.
Hereditary cancer-predisposing syndrome. Also called: Neoplastic Syndromes, Hereditary; Tumor predisposition; Hereditary Cancer Syndrome; Hereditary neoplastic syndrome. Identifiers: Orphanet 140162, MedGen C0027672, MeSH D009386, MONDO:0015356.

Submission:

Ambry Genetics
Classification: Pathogenic for Cardiovascular phenotype; Hereditary cancer-predisposing syndrome. Last evaluated: 2021-03-24. Review status: criteria provided, single submitter. Criteria: Ambry Variant Classification Scheme 2023. Collection method: clinical testing. Allele origin: germline.
Comment: The c.1733delA pathogenic mutation, located in coding exon 15 of the LZTR1 gene, results from a deletion of one nucleotide at nucleotide position 1733, causing a translational frameshift with a predicted alternate stop codon (p.N578Tfs*14). Based on the supporting evidence, this variant is pathogenic for an increased risk of nerve sheath tumors and would be expected to cause autosomal recessive Noonan syndrome when present along with a second pathogenic or likely pathogenic variant on the other allele.

NM_006767.4(LZTR1):c.1733del (p.Asn578fs)

Gene: LZTR1 (leucine zipper like post translational regulator 1; plus strand). Cytogenetic location: 22q11.21.
Variant type: Deletion.
Coding change: c.1733del on transcript NM_006767.4 (MANE Select); coding-DNA position 1733, one base deleted (A; older notation c.1733delA).
Protein change: p.Asn578fs; shifts the reading frame from asparagine 578.
Molecular consequence: frameshift variant.
Genome position (GRCh38, 1-based): chr22:20,994,675, A deleted; the last of 2 consecutive A bases (chr22:20,994,674-20,994,675); deleting either gives the same sequence. VCF-style (leftmost placement, unchanged base first): chr22-20994673-GA-G. GRCh37 (hg19) VCF-style: chr22-21348962-GA-G.
Other names: short protein forms N578fs.
Identifiers: ClinVar variation 1779030 (VCV001779030.2), dbSNP rs2518621922, ClinGen allele CA2580099220.